The following is an entry in ClinVar:

ClinVar aggregate classification (germline): Conflicting classifications of pathogenicity. Review status: criteria provided, conflicting classifications (1 of 4 stars). 2 submissions from 2 submitters: Likely pathogenic (1); Uncertain significance (1). Last evaluated 2020-04-05.

Conditions:
Primary ciliary dyskinesia 10. Also called: CILIARY DYSKINESIA, PRIMARY, 10, WITH OR WITHOUT SITUS INVERSUS. Identifiers: Orphanet 244, MedGen C2675867, MONDO:0012918, OMIM 612518.
Primary ciliary dyskinesia. Also called: Ciliary dyskinesia. Identifiers: Orphanet 244, MedGen C0008780, MONDO:0016575, HP:0012265.

Submissions (2):

Revvity Omics, Revvity
Classification: Likely pathogenic for Primary ciliary dyskinesia 10. Last evaluated: 2020-04-05. Review status: criteria provided, single submitter. Criteria: ACMG Guidelines, 2015. Collection method: clinical testing. Allele origin: germline.

Labcorp Genetics (formerly Invitae), Labcorp
Classification: Uncertain significance for Primary ciliary dyskinesia. Last evaluated: 2019-08-29. Review status: criteria provided, single submitter. Criteria: Invitae Variant Classification Sherloc (09022015). Collection method: clinical testing. Allele origin: germline.
Comment: This variant has not been reported in the literature in individuals with DNAAF2-related conditions. In summary, the available evidence is currently insufficient to determine the role of this variant in disease. Therefore, it has been classified as a Variant of Uncertain Significance. This variant is present in population databases (rs752488141, ExAC 0.05%). This sequence change results in a premature translational stop signal in the DNAAF2 gene (p.Ser676*). While this is not anticipated to result in nonsense mediated decay, it is expected to disrupt the last 162 amino acids of the DNAAF2 protein.

NM_018139.3(DNAAF2):c.2027_2028del (p.Asn675_Ser676insTer)

Gene: DNAAF2 (dynein axonemal assembly factor 2; minus strand). Cytogenetic location: 14q21.3.
Variant type: Microsatellite.
Coding change: c.2027_2028del on transcript NM_018139.3 (MANE Select); coding-DNA positions 2027 to 2028, 2 bases deleted (CT; older notation c.2027_2028delCT).
Protein change: p.Asn675_Ser676insTer.
Molecular consequence: nonsense. On other transcripts: 5 prime UTR variant (1).
Genome position (GRCh38, 1-based): chr14:49,626,028-49,626,029, AG deleted on the plus strand (CT on the coding strand, the reverse complement: DNAAF2 is on the minus strand); deleting any 2 consecutive bases within chr14:49,626,028-49,626,031 gives the same sequence; the c. name uses the placement nearest the transcript's 3' end. VCF-style (leftmost placement, unchanged base first): chr14-49626027-CAG-C. GRCh37 (hg19) VCF-style: chr14-50092745-CAG-C.
Other names: c.1883_1884del, p.Asn627_Ser628insTer (NM_001083908.2); c.-187CT[1] (NM_001378453.1).
Identifiers: ClinVar variation 954209 (VCV000954209.12), dbSNP rs752488141, ClinGen allele CA7172762.